The following is an entry in ClinVar:

NM_006767.4(LZTR1):c.1478C>T (p.Pro493Leu)

Gene: LZTR1 (leucine zipper like post translational regulator 1; plus strand). Cytogenetic location: 22q11.21.
Variant type: single nucleotide variant.
Coding change: c.1478C>T on transcript NM_006767.4 (MANE Select); coding-DNA position 1478, C replaced by T.
Protein change: p.Pro493Leu; replaces proline 493 with leucine.
Molecular consequence: missense variant.
Genome position (GRCh38, 1-based): chr22:20,994,132, C>T. VCF-style: chr22-20994132-C-T. GRCh37 (hg19) VCF-style: chr22-21348421-C-T.
Other names: short protein forms P493L.
Identifiers: ClinVar variation 3238085 (VCV003238085.3), dbSNP rs2147967251.
Genomic context (GRCh38, chr22:20,994,132, plus strand): 5'-TGGGGTGTCCTTGAGCTCCCTTCTCCCCACAGAAGCTGGAGCAGGAGGCCGCCCCAGTTC[C>T]CAGGGAGGCCCCCGGCGTGGCTGCTGGTGGGGCCCGGCCGCCCCTGCTGCACGTGGCCAT-3'
Protein context (NP_006758.2, residues 483-503): QKLEQEAAPV[Pro493Leu]REAPGVAAGG

ClinVar aggregate classification (germline): Uncertain significance. Review status: criteria provided, multiple submitters, no conflicts (2 of 4 stars). 2 submissions from 2 submitters: Uncertain significance (2). Last evaluated 2024-05-29.

Conditions:
Hereditary cancer-predisposing syndrome. Also called: Neoplastic Syndromes, Hereditary; Tumor predisposition; Hereditary neoplastic syndrome; Hereditary Cancer Syndrome. Identifiers: Orphanet 140162, MedGen C0027672, MeSH D009386, MONDO:0015356.
Cardiovascular phenotype. Identifiers: MedGen CN230736.

Submissions (2):

Labcorp Genetics (formerly Invitae), Labcorp
Classification: Uncertain significance. Last evaluated: 2024-05-29. Review status: criteria provided, single submitter. Criteria: Invitae Variant Classification Sherloc (09022015). Collection method: clinical testing. Allele origin: germline.
Comment: This sequence change replaces proline, which is neutral and non-polar, with leucine, which is neutral and non-polar, at codon 493 of the LZTR1 protein (p.Pro493Leu). This variant is not present in population databases (gnomAD no frequency). This variant has not been reported in the literature in individuals affected with LZTR1-related conditions. Advanced modeling of protein sequence and biophysical properties (such as structural, functional, and spatial information, amino acid conservation, physicochemical variation, residue mobility, and thermodynamic stability) performed at Invitae indicates that this missense variant is not expected to disrupt LZTR1 protein function with a negative predictive value of 80%. In summary, the available evidence is currently insufficient to determine the role of this variant in disease. Therefore, it has been classified as a Variant of Uncertain Significance.

Ambry Genetics
Classification: Uncertain significance for Cardiovascular phenotype; Hereditary cancer-predisposing syndrome. Last evaluated: 2023-11-14. Review status: criteria provided, single submitter. Criteria: Ambry Variant Classification Scheme 2023. Collection method: clinical testing. Allele origin: germline.
Comment: The p.P493L variant (also known as c.1478C>T), located in coding exon 14 of the LZTR1 gene, results from a C to T substitution at nucleotide position 1478. The proline at codon 493 is replaced by leucine, an amino acid with similar properties. This amino acid position is conserved. In addition, this alteration is predicted to be tolerated by in silico analysis. Since supporting evidence is limited at this time, the clinical significance of this alteration remains unclear.